The following is an entry in ClinVar:

ClinVar aggregate classification (germline): Benign/Likely benign. Review status: criteria provided, multiple submitters, no conflicts (2 of 4 stars). 3 submissions from 3 submitters: Benign (1); Likely benign (2). Last evaluated 2024-06-13.

Conditions:
Hereditary cancer-predisposing syndrome. Also called: Tumor predisposition; Neoplastic Syndromes, Hereditary; Hereditary Cancer Syndrome; Hereditary neoplastic syndrome. Identifiers: Orphanet 140162, MedGen C0027672, MeSH D009386, MONDO:0015356.
Familial cancer of breast. Also called: Hereditary breast cancer; BREAST CANCER, FAMILIAL; hereditary breast carcinoma. Identifiers: Orphanet 227535, MedGen C0346153, MONDO:0016419, OMIM 114480. Disease mechanism: loss of function.
Ataxia-telangiectasia syndrome (AT). Also called: ATAXIA-TELANGIECTASIA, COMPLEMENTATION GROUP A; ATAXIA-TELANGIECTASIA, FRESNO VARIANT; Ataxia-telangiectasia; Ataxia-telangiectasia, complementation group D; AT, COMPLEMENTATION GROUP C; Ataxia-telangiectasia, complementation group E. Identifiers: Orphanet 100, MedGen C0004135, MONDO:0008840, OMIM 208900.

Allele frequency attached by ClinVar (database versions not stated): TOPMed 0.00001.

Submissions (3):

Myriad Genetics, Inc.
Classification: Benign for Familial cancer of breast. Last evaluated: 2024-06-13. Review status: criteria provided, single submitter. Criteria: Myriad Autosomal Dominant, Autosomal Recessive and X-Linked Classification Criteria (2023). Collection method: clinical testing. Allele origin: unknown.
Comment: This variant is considered benign. This variant is a silent/synonymous amino acid change and it is not expected to impact splicing.

Labcorp Genetics (formerly Invitae), Labcorp
Classification: Likely benign for Ataxia-telangiectasia syndrome. Last evaluated: 2023-09-25. Review status: criteria provided, single submitter. Criteria: Invitae Variant Classification Sherloc (09022015). Collection method: clinical testing. Allele origin: germline.

Ambry Genetics
Classification: Likely benign for Hereditary cancer-predisposing syndrome. Last evaluated: 2019-05-08. Review status: criteria provided, single submitter. Criteria: Ambry Variant Classification Scheme 2023. Collection method: clinical testing. Allele origin: germline.

NM_000051.4(ATM):c.7164C>T (p.Leu2388=)

Genes: ATM (ATM serine/threonine kinase; plus strand), C11orf65 (chromosome 11 open reading frame 65; minus strand). Cytogenetic location: 11q22.3.
Variant type: single nucleotide variant.
Coding change: c.7164C>T on transcript NM_000051.4 (MANE Select); coding-DNA position 7164, C replaced by T.
Protein change: p.Leu2388=; no amino-acid change (leucine 2388 retained).
Molecular consequence: synonymous variant. On other transcripts: intron variant (2).
Genome position (GRCh38, 1-based): chr11:108,329,095, C>T. VCF-style: chr11-108329095-C-T. GRCh37 (hg19) VCF-style: chr11-108199822-C-T.
Other names: c.7164C>T, p.Leu2388= (NM_001351834.2); c.641-20024G>A (NM_001330368.2); c.*38+6125G>A (NM_001351110.2).
Identifiers: ClinVar variation 826877 (VCV000826877.14), dbSNP rs1239532344, ClinGen allele CA476676701.